The following is an entry in ClinVar:

NM_000465.4(BARD1):c.1575del (p.Phe526fs)

Gene: BARD1 (BRCA1 associated RING domain 1; minus strand). Cytogenetic location: 2q35.
Variant type: Deletion.
Coding change: c.1575del on transcript NM_000465.4 (MANE Select); coding-DNA position 1575, one base deleted (A; older notation c.1575delA).
Protein change: p.Phe526fs; shifts the reading frame from phenylalanine 526.
Molecular consequence: frameshift variant. On other transcripts: non-coding transcript variant (3), intron variant (1).
Genome position (GRCh38, 1-based): chr2:214,752,549, T deleted on the plus strand (A on the coding strand, the reverse complement: BARD1 is on the minus strand). VCF-style (leftmost placement, unchanged base first): chr2-214752548-AT-A. GRCh37 (hg19) VCF-style: chr2-215617272-AT-A.
Other names: c.1518del, p.Phe507fs (NM_001282543.2); c.222del, p.Phe75fs (NM_001282545.2); c.165del, p.Phe56fs (NM_001282548.2); c.365-22041del (NM_001282549.2); short protein forms F526fs, F507fs, F56fs, F75fs.
Identifiers: ClinVar variation 3988212 (VCV003988212.1).
Genomic context (GRCh38, chr2:214,752,548, plus strand): 5'-GTAGCAGCAATAGCGATTTCATACTTTCATCATCTGTATAATCGACAGGCCGCAGACCAA[AT>A]ATATTACTGGTAAAATAAGTGCAGATGTGTTTAAGTAAGTCAAATGTGTGACTCGACTCA-3'

ClinVar aggregate classification (germline): Pathogenic (1 of 4 stars; one submission).

Conditions:
Hereditary cancer-predisposing syndrome. Also called: Tumor predisposition; Hereditary neoplastic syndrome; Neoplastic Syndromes, Hereditary; Hereditary Cancer Syndrome. Identifiers: Orphanet 140162, MedGen C0027672, MeSH D009386, MONDO:0015356.

Submission:

Ambry Genetics
Classification: Pathogenic for Hereditary cancer-predisposing syndrome. Last evaluated: 2025-03-28. Review status: criteria provided, single submitter. Criteria: Ambry Variant Classification Scheme 2023. Collection method: clinical testing. Allele origin: germline.
Comment: The c.1575delA pathogenic mutation, located in coding exon 7 of the BARD1 gene, results from a deletion of one nucleotide at nucleotide position 1575, causing a translational frameshift with a predicted alternate stop codon (p.F526Lfs*14). This variant is considered to be rare based on population cohorts in the Genome Aggregation Database (gnomAD). This alteration is expected to result in loss of function by premature protein truncation or nonsense-mediated mRNA decay. As such, this alteration is interpreted as a disease-causing mutation.